The following is an entry in ClinVar:

NM_058004.4(PI4KA):c.156+5C>G

Gene: PI4KA (phosphatidylinositol 4-kinase alpha; minus strand). Cytogenetic location: 22q11.21.
Variant type: single nucleotide variant.
Coding change: c.156+5C>G on transcript NM_058004.4 (MANE Select); 5 bases into the intron after coding-DNA position 156, C replaced by G.
Molecular consequence: intron variant.
Genome position (GRCh38, 1-based): chr22:20,858,565, G>C on the plus strand (C>G on the coding strand, the complement: PI4KA is on the minus strand). VCF-style: chr22-20858565-G-C. GRCh37 (hg19) VCF-style: chr22-21212853-G-C.
Other names: c.156+5C>G (NM_001362863.2, NM_001362862.2, NM_058004.3).
Identifiers: ClinVar variation 2571152 (VCV002571152.29), dbSNP rs573614618, ClinGen allele CA10116919.

ClinVar aggregate classification (germline): Likely benign. Review status: criteria provided, multiple submitters, no conflicts (2 of 4 stars). 3 submissions from 3 submitters: Likely benign (2). 1 of the submissions does not count toward it. Last evaluated 2024-11-26.

Conditions:
PI4KA-related disorder. Also called: PI4KA-related disorders; PI4KA-related condition. Identifiers: MedGen CN378147, MONDO:1040012.

Allele frequency attached by ClinVar (database versions not stated): 1000 Genomes Project 30x 0.00344; 1000 Genomes Project 0.00379; ExAC 0.01118.
gnomAD v4.1: 1,121 of 1,380,388 alleles (0.081%); highest among the groups gnomAD compares: South Asian, 1.1%; 10 homozygotes.

Submissions (3):

Blueprint Genetics
Classification: Likely benign. Last evaluated: 2024-11-26. Review status: criteria provided, single submitter. Criteria: ACMG Guidelines, 2015. Collection method: clinical testing. Allele origin: germline.

CeGaT Center for Human Genetics Tuebingen
Classification: Likely benign. Last evaluated: 2023-07-01. Review status: criteria provided, single submitter. Criteria: CeGaT Center For Human Genetics Tuebingen Variant Classification Criteria Version 2. Collection method: clinical testing. Allele origin: germline. Affected: yes. Observed: 7 variant alleles.
Comment: PI4KA: BP4, BS1

PreventionGenetics, part of Exact Sciences
Classification: Benign for PI4KA-related condition. Last evaluated: 2024-01-23. Review status: no assertion criteria provided. Collection method: clinical testing. Allele origin: germline. Not counted in ClinVar's aggregate classification.
Comment: This variant is classified as benign based on ACMG/AMP sequence variant interpretation guidelines (Richards et al. 2015 PMID: 25741868, with internal and published modifications).